The following is an entry in ClinVar:

ClinVar aggregate classification (germline): Likely benign (1 of 4 stars; one submission).

Allele frequency attached by ClinVar (database versions not stated): TOPMed 0.00070; gnomAD exomes 0.00109; gnomAD 0.00110; ESP Exome Variant Server 0.00115; ExAC 0.00187; 1000 Genomes Project 0.00260; 1000 Genomes Project 30x 0.00265.
gnomAD v4.1: 1,778 of 1,614,038 alleles (0.11%); highest among the groups gnomAD compares: South Asian, 0.62%; 12 homozygotes.

Submission:

CeGaT Center for Human Genetics Tuebingen
Classification: Likely benign. Last evaluated: 2024-02-01. Review status: criteria provided, single submitter. Criteria: CeGaT Center For Human Genetics Tuebingen Variant Classification Criteria Version 2. Collection method: clinical testing. Allele origin: germline. Affected: yes. Observed: 1 variant allele.
Comment: LY75: BP4, BS2; LY75-CD302: BP4, BS2

NM_002349.4(LY75):c.138C>T (p.Cys46=)

Genes: LY75 (lymphocyte antigen 75; minus strand), LY75-CD302 (LY75-CD302 readthrough; minus strand). Cytogenetic location: 2q24.2.
Variant type: single nucleotide variant.
Coding change: c.138C>T on transcript NM_002349.4 (MANE Select); coding-DNA position 138, C replaced by T.
Protein change: p.Cys46=; no amino-acid change (cysteine 46 retained).
Molecular consequence: synonymous variant.
Genome position (GRCh38, 1-based): chr2:159,899,016, G>A on the plus strand (C>T on the coding strand, the complement: LY75 is on the minus strand). VCF-style: chr2-159899016-G-A. GRCh37 (hg19) VCF-style: chr2-160755527-G-A.
Other names: c.138C>T, p.Cys46= (NM_001198759.1, NM_001198760.1).
Identifiers: ClinVar variation 3024869 (VCV003024869.22), dbSNP rs138795888, ClinGen allele CA1927552.
Genomic context (GRCh38, chr2:159,899,016, plus strand): 5'-TAACTTGTCCTCAGTTTCATCACAGTCGTCTGCTACTATCCAGCCATACACTGGCTTGAT[G>A]CACTTGCCCGTATTTCCATGGACGATGGTGAAGGGGTCATTAGCTGAGTCAAATGGACAG-3'
Protein context (NP_002340.2, residues 36-56): FTIVHGNTGK[Cys46=]IKPVYGWIVA